The following is an entry in ClinVar:

ClinVar aggregate classification (germline): Pathogenic (1 of 4 stars; one submission).

Conditions:
Usher syndrome type 1 (USH1). Also called: RETINITIS PIGMENTOSA AND CONGENITAL DEAFNESS. Identifiers: Orphanet 231169, Orphanet 886, MedGen C1568247, MONDO:0010168, OMIM 276900.

Submission:

Myriad Genetics, Inc.
Classification: Pathogenic for Usher syndrome type 1. Last evaluated: 2024-04-01. Review status: criteria provided, single submitter. Criteria: Myriad Autosomal Dominant, Autosomal Recessive and X-Linked Classification Criteria (2023). Collection method: clinical testing. Allele origin: unknown.
Comment: NM_000260.3(MYO7A):c.3052_3053delAC(T1018Pfs*12) is expected to be pathogenic in the context of MYO7A-related disorders. This variant is predicted to lead to an abnormal or absent protein product due to the creation of a premature termination codon in MYO7A, a gene where loss-of-function variants are known to be pathogenic. Please note: this variant was assessed in the context of healthy population screening.

NM_000260.4(MYO7A):c.3052_3053del (p.Thr1018fs)

Gene: MYO7A (myosin VIIA; plus strand). Cytogenetic location: 11q13.5.
Variant type: Microsatellite.
Coding change: c.3052_3053del on transcript NM_000260.4 (MANE Select); coding-DNA positions 3052 to 3053, 2 bases deleted (AC; older notation c.3052_3053delAC).
Protein change: p.Thr1018fs; shifts the reading frame from threonine 1018.
Molecular consequence: frameshift variant.
Genome position (GRCh38, 1-based): chr11:77,182,098-77,182,099, AC deleted; deleting any 2 consecutive bases within chr11:77,182,096-77,182,099 gives the same sequence; the c. name uses the placement nearest the transcript's 3' end. VCF-style (leftmost placement, unchanged base first): chr11-77182095-TAC-T. GRCh37 (hg19) VCF-style: chr11-76893141-TAC-T.
Other names: c.3052_3053del, p.Thr1018fs (NM_001127180.2); c.3019_3020del, p.Thr1007fs (NM_001369365.1); short protein forms T1007fs, T1018fs.
Identifiers: ClinVar variation 5012884 (VCV005012884.1).